The following is an entry in ClinVar:

NM_005188.4(CBL):c.2282_2362dup (p.Arg787_Arg788insHisThrGlyProGluGluSerGluAsnGluAspAspGlyTyrAspValProLysProProValProAlaValLeuAlaArg)

Gene: CBL (Cbl proto-oncogene; plus strand). Cytogenetic location: 11q23.3.
Variant type: Duplication.
Coding change: c.2282_2362dup on transcript NM_005188.4 (MANE Select); coding-DNA positions 2282 to 2362, 81 bases duplicated.
Protein change: p.Arg787_Arg788insHisThrGlyProGluGluSerGluAsnGluAspAspGlyTyrAspValProLysProProValProAlaValLeuAlaArg.
Molecular consequence: inframe insertion.
Genome position (GRCh38, 1-based): chr11:119,298,388-119,298,468, 81 bases duplicated. GRCh37 (hg19): chr11:119,169,098-119,169,178.
Identifiers: ClinVar variation 917759 (VCV000917759.1), dbSNP rs1950077794, ClinGen allele CA1139662404.

ClinVar aggregate classification (germline): Uncertain significance (1 of 4 stars; one submission).

Submission:

Women's Health and Genetics/Laboratory Corporation of America, LabCorp
Classification: Uncertain significance. Last evaluated: 2020-04-13. Review status: criteria provided, single submitter. Criteria: LabCorp Variant Classification Summary - May 2015. Collection method: clinical testing. Allele origin: germline.
Comment: Variant summary: CBL c.2282_2362dup81 (p.Arg787_Arg788insHisThrGlyProGluGluSerGluAsnGluAspAspGlyTyrAspValProLysProProValProAlaValLeuAlaArg) results in an in-frame insertion that is predicted to insert 27 amino acids into the encoded protein. The variant was absent in 251456 control chromosomes (gnomAD). The available data on variant occurrences in the general population are insufficient to allow any conclusion about variant significance. To our knowledge, no occurrence of c.2282_2362dup81 in individuals affected with Noonan Syndrome and Related Conditions and no experimental evidence demonstrating its impact on protein function have been reported. No clinical diagnostic laboratories have submitted clinical-significance assessments for this variant to ClinVar after 2014. Based on the evidence outlined above, the variant was classified as uncertain significance.